The following is an entry in ClinVar:

NM_198578.4(LRRK2):c.4135C>A (p.Gln1379Lys)

Gene: LRRK2 (leucine rich repeat kinase 2; plus strand). Cytogenetic location: 12q12.
Variant type: single nucleotide variant.
Coding change: c.4135C>A on transcript NM_198578.4 (MANE Select); coding-DNA position 4135, C replaced by A.
Protein change: p.Gln1379Lys; replaces glutamine 1379 with lysine.
Molecular consequence: missense variant.
Genome position (GRCh38, 1-based): chr12:40,308,642, C>A. VCF-style: chr12-40308642-C-A. GRCh37 (hg19) VCF-style: chr12-40702444-C-A.
Other names: short protein forms Q1379K.
Identifiers: ClinVar variation 2453115 (VCV002453115.2), dbSNP rs1944919175, ClinGen allele CA384417828.

ClinVar aggregate classification (germline): Uncertain significance (1 of 4 stars; one submission).

Conditions:
Inborn genetic diseases. Identifiers: MedGen C0950123, MeSH D030342.

Submission:

Ambry Genetics
Classification: Uncertain significance for Inborn genetic diseases. Last evaluated: 2023-02-16. Review status: criteria provided, single submitter. Criteria: Ambry Variant Classification Scheme 2023. Collection method: clinical testing. Allele origin: germline.
Comment: The p.Q1379K variant (also known as c.4135C>A), located in coding exon 29 of the LRRK2 gene, results from a C to A substitution at nucleotide position 4135. The glutamine at codon 1379 is replaced by lysine, an amino acid with similar properties. This amino acid position is conserved. In addition, this alteration is predicted to be tolerated by in silico analysis. Since supporting evidence is limited at this time, the clinical significance of this alteration remains unclear.